The following is an entry in ClinVar:

ClinVar aggregate classification (germline): Uncertain significance. Review status: criteria provided, multiple submitters, no conflicts (2 of 4 stars). 2 submissions from 2 submitters: Uncertain significance (2). Last evaluated 2024-10-14.

gnomAD v4.1: 6 of 1,209,129 alleles (0.0005%); highest among the groups gnomAD compares: Non-Finnish European, 0.00067%; no homozygotes.

Submissions (2):

Mayo Clinic Laboratories, Mayo Clinic
Classification: Uncertain significance. Last evaluated: 2024-10-14. Review status: criteria provided, single submitter. Criteria: ACMG Guidelines, 2015. Collection method: clinical testing. Allele origin: germline. Observed: 1 variant allele.
Comment: BS2

GeneDx
Classification: Uncertain significance. Last evaluated: 2024-05-31. Review status: criteria provided, single submitter. Criteria: GeneDx Variant Classification Process June 2021. Collection method: clinical testing. Allele origin: germline. Affected: yes.
Comment: Not observed at significant frequency in large population cohorts (gnomAD); In silico analysis indicates that this missense variant does not alter protein structure/function; Has not been previously published as pathogenic or benign to our knowledge

NM_002641.4(PIGA):c.1226T>A (p.Met409Lys)

Gene: PIGA (phosphatidylinositol glycan anchor biosynthesis class A; minus strand). Cytogenetic location: Xp22.2.
Variant type: single nucleotide variant.
Coding change: c.1226T>A on transcript NM_002641.4 (MANE Select); coding-DNA position 1226, T replaced by A.
Protein change: p.Met409Lys; replaces methionine 409 with lysine.
Molecular consequence: missense variant. On other transcripts: non-coding transcript variant (2).
Genome position (GRCh38, 1-based): chrX:15,321,735, A>T on the plus strand (T>A on the coding strand, the complement: PIGA is on the minus strand). VCF-style: chrX-15321735-A-T. GRCh37 (hg19) VCF-style: chrX-15339857-A-T.
Other names: p.Met409Lys; c.524T>A, p.Met175Lys (NM_020473.3); short protein forms M175K, M409K.
Identifiers: ClinVar variation 3383784 (VCV003383784.2).